The following is an entry in ClinVar:

ClinVar aggregate classification (germline): Uncertain significance (1 of 4 stars; one submission).

Conditions:
Inborn genetic diseases. Identifiers: MedGen C0950123, MeSH D030342.

Submission:

Ambry Genetics
Classification: Uncertain significance for Inborn genetic diseases. Last evaluated: 2022-12-29. Review status: criteria provided, single submitter. Criteria: Ambry Variant Classification Scheme 2023. Collection method: clinical testing. Allele origin: germline.
Comment: The c.497+6T>C intronic alteration consists of a T to C substitution 6 nucleotides after exon 6 (coding exon 4) of the KMT2E gene. This variant was not reported in population-based cohorts in the Genome Aggregation Database (gnomAD). This nucleotide position is well conserved in available vertebrate species. In silico splice site analysis predicts that this alteration will not have any significant effect on splicing. Based on insufficient or conflicting evidence, the clinical significance of this alteration remains unclear.

NM_182931.3(KMT2E):c.497+6T>C

Gene: KMT2E (lysine methyltransferase 2E (inactive); plus strand). Cytogenetic location: 7q22.3.
Variant type: single nucleotide variant.
Coding change: c.497+6T>C on transcript NM_182931.3 (MANE Select); 6 bases into the intron after coding-DNA position 497, T replaced by C.
Molecular consequence: intron variant.
Genome position (GRCh38, 1-based): chr7:105,066,813, T>C. VCF-style: chr7-105066813-T-C. GRCh37 (hg19) VCF-style: chr7-104707260-T-C.
Other names: c.497+6T>C (NM_018682.4).
Identifiers: ClinVar variation 2328418 (VCV002328418.2), dbSNP rs2536395592, ClinGen allele CA2580076088.